The following is an entry in ClinVar:

ClinVar aggregate classification (germline): Uncertain significance (1 of 4 stars; one submission).

Conditions:
Mitochondrial complex II deficiency, nuclear type 1. Also called: SUCCINATE CoQ REDUCTASE DEFICIENCY. Identifiers: Orphanet 3208, MedGen C5700310, MONDO:0100294, OMIM 252011.
Pheochromocytoma/paraganglioma syndrome 5. Also called: Paragangliomas 5; SDHA-Related Hereditary Paraganglioma-Pheochromocytoma Syndrome. Identifiers: Orphanet 29072, MedGen C3279992, MONDO:0013602, OMIM 614165.

Submission:

Labcorp Genetics (formerly Invitae), Labcorp
Classification: Uncertain significance for Pheochromocytoma/paraganglioma syndrome 5; Mitochondrial complex II deficiency, nuclear type 1. Last evaluated: 2021-12-15. Review status: criteria provided, single submitter. Criteria: Invitae Variant Classification Sherloc (09022015). Collection method: clinical testing. Allele origin: germline.
Comment: In summary, the available evidence is currently insufficient to determine the role of this variant in disease. Therefore, it has been classified as a Variant of Uncertain Significance. Advanced modeling of protein sequence and biophysical properties (such as structural, functional, and spatial information, amino acid conservation, physicochemical variation, residue mobility, and thermodynamic stability) performed at Invitae indicates that this missense variant is not expected to disrupt SDHA protein function. ClinVar contains an entry for this variant (Variation ID: 956638). This variant has not been reported in the literature in individuals affected with SDHA-related conditions. This variant is not present in population databases (gnomAD no frequency). This sequence change replaces cysteine, which is neutral and slightly polar, with arginine, which is basic and polar, at codon 357 of the SDHA protein (p.Cys357Arg).

NM_004168.4(SDHA):c.1069T>C (p.Cys357Arg)

Gene: SDHA (succinate dehydrogenase complex flavoprotein subunit A; plus strand). Cytogenetic location: 5p15.33.
Variant type: single nucleotide variant.
Coding change: c.1069T>C on transcript NM_004168.4 (MANE Select); coding-DNA position 1069, T replaced by C.
Protein change: p.Cys357Arg; replaces cysteine 357 with arginine.
Molecular consequence: missense variant.
Genome position (GRCh38, 1-based): chr5:235,148, T>C. VCF-style: chr5-235148-T-C. GRCh37 (hg19) VCF-style: chr5-235263-T-C.
Other names: c.925T>C, p.Cys309Arg (NM_001294332.2); c.1069T>C, p.Cys357Arg (NM_001330758.2); short protein forms C357R, C309R.
Identifiers: ClinVar variation 956638 (VCV000956638.8), dbSNP rs1735685410, ClinGen allele CA359013385.
Genomic context (GRCh38, chr5:235,148, plus strand): 5'-CAGGTCTCCTGCCGTTGCCGTTCTCTGCCGTATGTGATGGTGTTCTGTCTTACCAGAGGC[T>C]GTGGCCCTGAGAAAGATCACGTCTACCTGCAGCTGCACCACCTACCTCCAGAGCAGCTGG-3'
Protein context (NP_004159.2, residues 347-367): MTLEIREGRG[Cys357Arg]GPEKDHVYLQ